The following is an entry in ClinVar:

ClinVar aggregate classification (germline): Pathogenic (1 of 4 stars; one submission).

Conditions:
Hereditary cancer-predisposing syndrome. Also called: Tumor predisposition; Hereditary neoplastic syndrome; Neoplastic Syndromes, Hereditary; Hereditary Cancer Syndrome. Identifiers: Orphanet 140162, MedGen C0027672, MeSH D009386, MONDO:0015356.

Submission:

Ambry Genetics
Classification: Pathogenic for Hereditary cancer-predisposing syndrome. Last evaluated: 2025-05-28. Review status: criteria provided, single submitter. Criteria: Ambry Variant Classification Scheme 2023. Collection method: clinical testing. Allele origin: germline.
Comment: The c.2641delG pathogenic mutation, located in coding exon 10 of the BRCA2 gene, results from a deletion of one nucleotide at nucleotide position 2641, causing a translational frameshift with a predicted alternate stop codon (p.E881Nfs*14). This variant is considered to be rare based on population cohorts in the Genome Aggregation Database (gnomAD). This alteration is expected to result in loss of function by premature protein truncation or nonsense-mediated mRNA decay. As such, this alteration is interpreted as a disease-causing mutation.

NM_000059.4(BRCA2):c.2641del (p.Glu881fs)

Gene: BRCA2 (BRCA2 DNA repair associated; plus strand). Cytogenetic location: 13q13.1.
Variant type: Deletion.
Coding change: c.2641del on transcript NM_000059.4 (MANE Select); coding-DNA position 2641, one base deleted (G; older notation c.2641delG).
Protein change: p.Glu881fs; shifts the reading frame from glutamic acid 881.
Molecular consequence: frameshift variant. On other transcripts: non-coding transcript variant (1), intron variant (2).
Genome position (GRCh38, 1-based): chr13:32,336,996, G deleted. VCF-style (leftmost placement, unchanged base first): chr13-32336995-AG-A. GRCh37 (hg19) VCF-style: chr13-32911132-AG-A.
Other names: c.2641del, p.Glu881fs (NM_001406719.1, NM_001406720.1, NM_001432077.1); c.1909+3609del (NM_001406721.1); c.424+5966del (NM_001406722.1); short protein forms E881fs.
Identifiers: ClinVar variation 3992841 (VCV003992841.1).